The following is an entry in ClinVar:

ClinVar aggregate classification (germline): Uncertain significance (1 of 4 stars; one submission).

Conditions:
Evans syndrome, immunodeficiency, and premature immunosenescence associated with tripeptidyl-peptidase II deficiency. Identifiers: MedGen CN231723. Disease mechanism: loss of function.

Allele frequency attached by ClinVar (database versions not stated): gnomAD exomes below 0.00001; ExAC 0.00001; gnomAD 0.00002; TOPMed 0.00003.
gnomAD v4.1: 7 of 1,608,352 alleles (0.00044%); highest among the groups gnomAD compares: African/African-American, 0.0027%; no homozygotes.

Submission:

Labcorp Genetics (formerly Invitae), Labcorp
Classification: Uncertain significance for Evans syndrome, immunodeficiency, and premature immunosenescence associated with tripeptidyl-peptidase II deficiency. Last evaluated: 2020-09-02. Review status: criteria provided, single submitter. Criteria: Invitae Variant Classification Sherloc (09022015). Collection method: clinical testing. Allele origin: germline.
Comment: This sequence change replaces proline with leucine at codon 1050 of the TPP2 protein (p.Pro1050Leu). The proline residue is highly conserved and there is a moderate physicochemical difference between proline and leucine. This variant is present in population databases (rs749478978, ExAC 0.01%). This variant has not been reported in the literature in individuals with TPP2-related conditions. Algorithms developed to predict the effect of missense changes on protein structure and function are either unavailable or do not agree on the potential impact of this missense change (SIFT: "Deleterious"; PolyPhen-2: "Benign"; Align-GVGD: "Class C65"). In summary, the available evidence is currently insufficient to determine the role of this variant in disease. Therefore, it has been classified as a Variant of Uncertain Significance.

NM_001330588.2(TPP2):c.3188C>T (p.Pro1063Leu)

Gene: TPP2 (tripeptidyl peptidase 2; plus strand). Cytogenetic location: 13q33.1.
Variant type: single nucleotide variant.
Coding change: c.3188C>T on transcript NM_001330588.2 (MANE Select); coding-DNA position 3188, C replaced by T.
Protein change: p.Pro1063Leu; replaces proline 1063 with leucine.
Molecular consequence: missense variant. On other transcripts: non-coding transcript variant (1).
Genome position (GRCh38, 1-based): chr13:102,663,692, C>T. VCF-style: chr13-102663692-C-T. GRCh37 (hg19) VCF-style: chr13-103316042-C-T.
Other names: c.3149C>T, p.Pro1050Leu (NM_001367947.1, NM_003291.4); short protein forms P1050L, P1063L.
Identifiers: ClinVar variation 1062533 (VCV001062533.9), dbSNP rs749478978, ClinGen allele CA7038214.